The following is an entry in ClinVar:

NM_000038.6(APC):c.6775A>G (p.Lys2259Glu)

Gene: APC (APC regulator of Wnt signaling pathway; plus strand). Cytogenetic location: 5q22.2.
Variant type: single nucleotide variant.
Coding change: c.6775A>G on transcript NM_000038.6 (MANE Select); coding-DNA position 6775, A replaced by G.
Protein change: p.Lys2259Glu; replaces lysine 2259 with glutamic acid.
Molecular consequence: missense variant.
Genome position (GRCh38, 1-based): chr5:112,842,369, A>G. VCF-style: chr5-112842369-A-G. GRCh37 (hg19) VCF-style: chr5-112178066-A-G.
Other names: c.6775A>G, p.Lys2259Glu (NM_001127510.3, NM_001354895.2); c.6721A>G, p.Lys2241Glu (NM_001127511.3); c.6829A>G, p.Lys2277Glu (NM_001354896.2); c.6805A>G, p.Lys2269Glu (NM_001354897.2); c.6700A>G, p.Lys2234Glu (NM_001354898.2); c.6691A>G, p.Lys2231Glu (NM_001354899.2); c.6652A>G, p.Lys2218Glu (NM_001354900.2); c.6598A>G, p.Lys2200Glu (NM_001354901.2); and 5 more; short protein forms K2241E, K2259E, K2158E, K2218E, K2231E, K2234E, K2099E, K2133E.
Identifiers: ClinVar variation 236634 (VCV000236634.24), dbSNP rs763707129, ClinGen allele CA046078.

ClinVar aggregate classification (germline): Uncertain significance. Review status: criteria provided, multiple submitters, no conflicts (2 of 4 stars). 7 submissions from 7 submitters: Uncertain significance (6). 1 of the submissions does not count toward it. Last evaluated 2025-10-23.

Conditions:
Classic or attenuated familial adenomatous polyposis. Identifiers: MedGen CN372698, MONDO:0021057.
Hereditary cancer-predisposing syndrome. Also called: Hereditary neoplastic syndrome; Hereditary Cancer Syndrome; Neoplastic Syndromes, Hereditary; Tumor predisposition. Identifiers: Orphanet 140162, MedGen C0027672, MeSH D009386, MONDO:0015356.
Familial adenomatous polyposis 1 (FAP1). Also called: FAMILIAL ADENOMATOUS POLYPOSIS 1, ATTENUATED; POLYPOSIS, ADENOMATOUS INTESTINAL. Identifiers: MedGen C2713442, MONDO:0021056, OMIM 175100. Disease mechanism: loss of function.

Allele frequency attached by ClinVar (database versions not stated): gnomAD exomes below 0.00001; TOPMed below 0.00001; ExAC 0.00001.
gnomAD v4.1: 1 of 1,614,086 alleles (0.000062%); highest among the groups gnomAD compares: Non-Finnish European, 0.000085%; no homozygotes.

Submissions (7):

Labcorp Genetics (formerly Invitae), Labcorp
Classification: Uncertain significance for Familial adenomatous polyposis 1. Last evaluated: 2025-10-23. Review status: criteria provided, single submitter. Criteria: Invitae Variant Classification Sherloc (09022015). Collection method: clinical testing. Allele origin: germline.
Comment: This sequence change replaces lysine, which is basic and polar, with glutamic acid, which is acidic and polar, at codon 2259 of the APC protein (p.Lys2259Glu). This variant is present in population databases (rs763707129, gnomAD 0.002%). This variant has not been reported in the literature in individuals affected with APC-related conditions. ClinVar contains an entry for this variant (Variation ID: 236634). Invitae Evidence Modeling of protein sequence and biophysical properties (such as structural, functional, and spatial information, amino acid conservation, physicochemical variation, residue mobility, and thermodynamic stability) indicates that this missense variant is not expected to disrupt APC protein function with a negative predictive value of 95%. In summary, the available evidence is currently insufficient to determine the role of this variant in disease. Therefore, it has been classified as a Variant of Uncertain Significance.

Ambry Genetics
Classification: Uncertain significance for Hereditary cancer-predisposing syndrome. Last evaluated: 2024-06-07. Review status: criteria provided, single submitter. Criteria: Ambry Variant Classification Scheme 2023. Collection method: clinical testing. Allele origin: germline.
Comment: The p.K2259E variant (also known as c.6775A>G), located in coding exon 15 of the APC gene, results from an A to G substitution at nucleotide position 6775. The lysine at codon 2259 is replaced by glutamic acid, an amino acid with similar properties. This amino acid position is highly conserved in available vertebrate species. In addition, in silico predictors for this gene do not accurately predict pathogenicity. Since supporting evidence is limited at this time, the clinical significance of this alteration remains unclear.

Color Diagnostics, LLC DBA Color Health
Classification: Uncertain significance for Hereditary cancer-predisposing syndrome. Last evaluated: 2024-03-06. Review status: criteria provided, single submitter. Criteria: ACMG Guidelines, 2015. Collection method: clinical testing. Allele origin: germline.
Comment: This missense variant replaces lysine with glutamic acid at codon 2259 of the APC protein. Computational prediction is inconclusive regarding the impact of this variant on protein structure and function (internally defined REVEL score threshold 0.5 < inconclusive < 0.7, PMID: 27666373). To our knowledge, functional studies have not been reported for this variant. This variant has not been reported in individuals affected with APC-related disorders in the literature. This variant has been identified in 1/251008 chromosomes in the general population by the Genome Aggregation Database (gnomAD). The available evidence is insufficient to determine the role of this variant in disease conclusively. Therefore, this variant is classified as a Variant of Uncertain Significance.

GeneDx
Classification: Uncertain significance. Last evaluated: 2023-08-07. Review status: criteria provided, single submitter. Criteria: GeneDx Variant Classification Process June 2021. Collection method: clinical testing. Allele origin: germline. Affected: yes.
Comment: Not observed at significant frequency in large population cohorts (gnomAD); In silico analysis supports that this missense variant does not alter protein structure/function; Has not been previously published as pathogenic or benign to our knowledge

All of Us Research Program, National Institutes of Health
Classification: Uncertain significance for Classic or attenuated familial adenomatous polyposis. Last evaluated: 2023-04-27. Review status: criteria provided, single submitter. Criteria: ACMG Guidelines, 2015. Collection method: clinical testing. Allele origin: germline. Inheritance: Autosomal dominant inheritance. Observed: 1 variant allele, 1 heterozygote.
Comment: This missense variant replaces lysine with glutamic acid at codon 2259 of the APC protein. Computational prediction is inconclusive regarding the impact of this variant on protein structure and function (internally defined REVEL score threshold 0.5 < inconclusive < 0.7, PMID: 27666373). To our knowledge, functional studies have not been reported for this variant. This variant has not been reported in individuals affected with hereditary cancer in the literature. This variant has been identified in 1/251008 chromosomes in the general population by the Genome Aggregation Database (gnomAD). The available evidence is insufficient to determine the role of this variant in disease conclusively. Therefore, this variant is classified as a Variant of Uncertain Significance.

This study involves interpretation of variants in research participants for the purpose of population health screening. Participant phenotype was not available at the time of variant classification. Additional details can be found in publication PMID: 35346344, PMCID: PMC8962531

Myriad Genetics, Inc.
Classification: Uncertain significance for Familial adenomatous polyposis 1. Last evaluated: 2023-02-15. Review status: criteria provided, single submitter. Criteria: Myriad Autosomal Dominant, Autosomal Recessive and X-Linked Classification Criteria (2023). Collection method: clinical testing. Allele origin: unknown.
Comment: This variant is classified as a variant of uncertain significance as there is insufficient evidence to determine its impact on protein function and/or cancer risk.

Counsyl
Classification: Uncertain significance for Familial adenomatous polyposis 1. Last evaluated: 2017-11-13. Review status: no assertion criteria provided. Collection method: clinical testing. Allele origin: unknown. Not counted in ClinVar's aggregate classification.